The following is an entry in ClinVar:

NM_025243.4(SLC19A3):c.127G>A (p.Asp43Asn)

Gene: SLC19A3 (solute carrier family 19 member 3; minus strand). Cytogenetic location: 2q36.3.
Variant type: single nucleotide variant.
Coding change: c.127G>A on transcript NM_025243.4 (MANE Select); coding-DNA position 127, G replaced by A.
Protein change: p.Asp43Asn; replaces aspartic acid 43 with asparagine.
Molecular consequence: missense variant. On other transcripts: 5 prime UTR variant (2).
Genome position (GRCh38, 1-based): chr2:227,702,192, C>T on the plus strand (G>A on the coding strand, the complement: SLC19A3 is on the minus strand). VCF-style: chr2-227702192-C-T. GRCh37 (hg19) VCF-style: chr2-228566908-C-T.
Other names: c.127G>A, p.Asp43Asn (NM_001371411.1, NM_001371412.1); c.-82G>A (NM_001371413.1, NM_001371414.1); short protein forms D43N.
Identifiers: ClinVar variation 1356615 (VCV001356615.4), dbSNP rs773678018, ClinGen allele CA2149403.
Genomic context (GRCh38, chr2:227,702,192, plus strand): 5'-AAAAACCACATTAAGATATGTATGTATGTTAACTTACCTCTGCACTGGTCAGGTTTTTAT[C>T]TGGTCCAGATAAATATGGGATAAGGAATGGTTCTGAGGGTCTCATCATGGAGAAAAAACC-3'
Protein context (NP_079519.1, residues 33-53): PFLIPYLSGP[Asp43Asn]KNLTSAEITN

ClinVar aggregate classification (germline): Uncertain significance (1 of 4 stars; one submission).

Conditions:
Biotin-responsive basal ganglia disease (BTBGD). Also called: Thiamine metabolism dysfunction syndrome 2 (biotin- or thiamine-responsive encephalopathy type 2); thiamine-responsive encephalopathy; THIAMINE METABOLISM DYSFUNCTION SYNDROME 2 (BIOTIN- AND THIAMINE-RESPONSIVE TYPE); Thiamine metabolism dysfunction syndrome type 2; Thiamine Transporter-2 Deficiency. Identifiers: Orphanet 199348, Orphanet 65284, MedGen C1843807, MONDO:0011841, OMIM 607483.

Allele frequency attached by ClinVar (database versions not stated): gnomAD 0.00001; ExAC 0.00002; gnomAD exomes 0.00002; TOPMed 0.00002.

Submission:

Labcorp Genetics (formerly Invitae), Labcorp
Classification: Uncertain significance for Biotin-responsive basal ganglia disease. Last evaluated: 2024-10-22. Review status: criteria provided, single submitter. Criteria: Invitae Variant Classification Sherloc (09022015). Collection method: clinical testing. Allele origin: germline.
Comment: This sequence change replaces aspartic acid, which is acidic and polar, with asparagine, which is neutral and polar, at codon 43 of the SLC19A3 protein (p.Asp43Asn). This variant is present in population databases (rs773678018, gnomAD 0.003%). This variant has not been reported in the literature in individuals affected with SLC19A3-related conditions. ClinVar contains an entry for this variant (Variation ID: 1356615). Invitae Evidence Modeling of protein sequence and biophysical properties (such as structural, functional, and spatial information, amino acid conservation, physicochemical variation, residue mobility, and thermodynamic stability) indicates that this missense variant is not expected to disrupt SLC19A3 protein function with a negative predictive value of 95%. In summary, the available evidence is currently insufficient to determine the role of this variant in disease. Therefore, it has been classified as a Variant of Uncertain Significance.